The following is an entry in ClinVar:

ClinVar aggregate classification (germline): Pathogenic (1 of 4 stars; one submission).

Conditions:
Joubert syndrome 17 (JBTS17). Identifiers: Orphanet 475, MedGen C3553264, MONDO:0013824, OMIM 614615.

gnomAD v4.1: 2 of 1,302,270 alleles (0.00015%); highest among the groups gnomAD compares: Non-Finnish European, 0.00021%; no homozygotes.

Submission:

Broad Center for Mendelian Genomics, Broad Institute of MIT and Harvard
Classification: Pathogenic for Joubert syndrome 17. Last evaluated: 2018-12-03. Review status: criteria provided, single submitter. Criteria: ACMG Guidelines, 2015. Collection method: research. Allele origin: germline. Inheritance: Autosomal recessive inheritance. Affected: yes.
Comment: The presence of this variant in combination with a likely pathogenic variant and in an individual with Joubert syndrome increases the likelihood that the c.8501+1G>T variant is pathogenic. This variant was absent from large population studies. The c.8501+1G>T variant occurs in the invariant region (+/- 1/2) of the splice consensus sequence and is predicted to cause altered splicing leading to an abnormal or absent protein. Loss of function of the C5orf42 gene is an established disease mechanism for autosomal recessive Joubert syndrome. In summary, this variant meets criteria to be classified as pathogenic for Joubert syndrome in an autosomal recessive manner based on the predicted impact of the variant and the presense of a likely pathogenic variant in an individual with Joubert syndrome. ACMG/AMP Criteria applied: PM2, PVS1, PM3_Supporting (Richards 2015).

NM_001384732.1(CPLANE1):c.8663+1G>T

Gene: CPLANE1 (ciliogenesis and planar polarity effector complex subunit 1; minus strand). Cytogenetic location: 5p13.2.
Variant type: single nucleotide variant.
Coding change: c.8663+1G>T on transcript NM_001384732.1 (MANE Select); the canonical splice donor site of the intron after coding-DNA position 8663, G replaced by T.
Molecular consequence: splice donor variant.
Genome position (GRCh38, 1-based): chr5:37,139,339, C>A on the plus strand (G>T on the coding strand, the complement: CPLANE1 is on the minus strand). VCF-style: chr5-37139339-C-A. GRCh37 (hg19) VCF-style: chr5-37139441-C-A.
Other names: c.8501+1G>T (NM_023073.4).
Identifiers: ClinVar variation 813945 (VCV000813945.1), dbSNP rs1580084520, ClinGen allele CA359506538.